The following is an entry in ClinVar:

ClinVar aggregate classification (germline): Uncertain significance. Review status: criteria provided, multiple submitters, no conflicts (2 of 4 stars). 3 submissions from 3 submitters: Uncertain significance (3). Last evaluated 2024-03-28.

Conditions:
FAT2-related disorder. Also called: FAT2-related condition.

gnomAD v4.1: 101 of 1,614,068 alleles (0.0063%); highest among the groups gnomAD compares: Non-Finnish European, 0.0083%; no homozygotes.

Submissions (3):

Ambry Genetics
Classification: Uncertain significance. Last evaluated: 2024-03-28. Review status: criteria provided, single submitter. Criteria: Ambry Variant Classification Scheme 2023. Collection method: clinical testing. Allele origin: germline.

PreventionGenetics, part of Exact Sciences
Classification: Uncertain significance for FAT2-related condition. Last evaluated: 2022-11-02. Review status: criteria provided, single submitter. Criteria: ACMG Guidelines, 2015. Collection method: clinical testing. Allele origin: germline.
Comment: The FAT2 c.7995T>G variant is predicted to result in the amino acid substitution p.Asp2665Glu. To our knowledge, this variant has not been reported in the literature. This variant is reported in 0.0080% of alleles in individuals of African descent in gnomAD. At this time, the clinical significance of this variant is uncertain due to the absence of conclusive functional and genetic evidence.

Labcorp Genetics (formerly Invitae), Labcorp
Classification: Uncertain significance. Last evaluated: 2022-05-15. Review status: criteria provided, single submitter. Criteria: Invitae Variant Classification Sherloc (09022015). Collection method: clinical testing. Allele origin: germline.
Comment: Algorithms developed to predict the effect of missense changes on protein structure and function (SIFT, PolyPhen-2, Align-GVGD) all suggest that this variant is likely to be disruptive. This variant has not been reported in the literature in individuals affected with FAT2-related conditions. This variant is present in population databases (rs780742867, gnomAD 0.008%). This sequence change replaces aspartic acid, which is acidic and polar, with glutamic acid, which is acidic and polar, at codon 2665 of the FAT2 protein (p.Asp2665Glu). In summary, the available evidence is currently insufficient to determine the role of this variant in disease. Therefore, it has been classified as a Variant of Uncertain Significance.

NM_001447.3(FAT2):c.7995T>G (p.Asp2665Glu)

Genes: FAT2 (FAT atypical cadherin 2; minus strand), SLC36A1 (solute carrier family 36 member 1; plus strand). Cytogenetic location: 5q33.1.
Variant type: single nucleotide variant.
Coding change: c.7995T>G on transcript NM_001447.3 (MANE Select); coding-DNA position 7995, T replaced by G.
Protein change: p.Asp2665Glu; replaces aspartic acid 2665 with glutamic acid.
Molecular consequence: missense variant.
Genome position (GRCh38, 1-based): chr5:151,543,132, A>C on the plus strand (T>G on the coding strand, the complement: FAT2 is on the minus strand). VCF-style: chr5-151543132-A-C. GRCh37 (hg19) VCF-style: chr5-150922693-A-C.
Other names: c.7995T>G (NM_001447.2); short protein forms D2665E.
Identifiers: ClinVar variation 2184081 (VCV002184081.6), dbSNP rs780742867, ClinGen allele CA3520876.